The following is an entry in ClinVar:

ClinVar aggregate classification (germline): Conflicting classifications of pathogenicity. Review status: criteria provided, conflicting classifications (1 of 4 stars). 5 submissions from 5 submitters: Uncertain significance (1); Likely benign (4). Last evaluated 2025-09-03.

Conditions:
Long QT syndrome (LQTS). Identifiers: MedGen C0023976, MeSH D008133, MONDO:0002442. Disease mechanism: loss of function. Inheritance: Various modes of inheritance.
Cardiovascular phenotype. Identifiers: MedGen CN230736.
Cardiac arrhythmia. Also called: Arrhythmia; Cardiac rhythm disease. Identifiers: MedGen C0003811, MONDO:0007263, HP:0011675.

Allele frequency attached by ClinVar (database versions not stated): ExAC 0.00001; gnomAD exomes 0.00003 and 0.00005; TOPMed 0.00003; gnomAD 0.00004; ESP Exome Variant Server 0.00008; 1000 Genomes Project 0.00020; 1000 Genomes Project 30x 0.00031.
gnomAD v4.1: 49 of 1,610,630 alleles (0.003%); highest among the groups gnomAD compares: Admixed American, 0.015%; no homozygotes.

Submissions (5):

Labcorp Genetics (formerly Invitae), Labcorp
Classification: Uncertain significance for Long QT syndrome. Last evaluated: 2025-09-03. Review status: criteria provided, single submitter. Criteria: Invitae Variant Classification Sherloc (09022015). Collection method: clinical testing. Allele origin: germline.
Comment: This sequence change affects codon 201 of the KCNQ1 mRNA. It is a 'silent' change, meaning that it does not change the encoded amino acid sequence of the KCNQ1 protein. It affects a nucleotide within the consensus splice site. This variant is present in population databases (rs146190510, gnomAD 0.01%). This variant has not been reported in the literature in individuals affected with KCNQ1-related conditions. ClinVar contains an entry for this variant (Variation ID: 629171). Algorithms developed to predict the effect of sequence changes on RNA splicing suggest that this variant is not likely to affect RNA splicing. In summary, the available evidence is currently insufficient to determine the role of this variant in disease. Therefore, it has been classified as a Variant of Uncertain Significance.

Blueprint Genetics
Classification: Likely benign. Last evaluated: 2024-11-25. Review status: criteria provided, single submitter. Criteria: ACMG Guidelines, 2015. Collection method: clinical testing. Allele origin: germline.

All of Us Research Program, National Institutes of Health
Classification: Likely benign for Long QT syndrome. Last evaluated: 2024-07-29. Review status: criteria provided, single submitter. Criteria: ACMG Guidelines, 2015. Collection method: clinical testing. Allele origin: germline. Inheritance: Autosomal dominant inheritance. Observed: 8 variant alleles, 7 heterozygotes, 1 homozygote.
Comment: This study involves interpretation of variants in research participants for the purpose of population health screening. Participant phenotype was not available at the time of variant classification. Additional details can be found in publication PMID: 35346344, PMCID: PMC8962531

Ambry Genetics
Classification: Likely benign for Cardiovascular phenotype. Last evaluated: 2022-02-11. Review status: criteria provided, single submitter. Criteria: Ambry Variant Classification Scheme 2023. Collection method: clinical testing. Allele origin: germline.

Color Diagnostics, LLC DBA Color Health
Classification: Likely benign for Arrhythmia. Last evaluated: 2018-08-29. Review status: criteria provided, single submitter. Criteria: ACMG Guidelines, 2015. Collection method: clinical testing. Allele origin: germline.

NM_000218.3(KCNQ1):c.603C>T (p.Ile201=)

Gene: KCNQ1 (potassium voltage-gated channel subfamily Q member 1; plus strand). Cytogenetic location: 11p15.5.
Variant type: single nucleotide variant.
Coding change: c.603C>T on transcript NM_000218.3 (MANE Select); coding-DNA position 603, C replaced by T.
Protein change: p.Ile201=; no amino-acid change (isoleucine 201 retained).
Molecular consequence: synonymous variant. On other transcripts: intron variant (1).
Genome position (GRCh38, 1-based): chr11:2,570,753, C>T. VCF-style: chr11-2570753-C-T. GRCh37 (hg19) VCF-style: chr11-2591983-C-T.
Other names: c.603C>T, p.Ile201= (NM_001406836.1); c.333C>T, p.Ile111= (NM_001406837.1); c.222C>T, p.Ile74= (NM_181798.2); c.478-12682C>T (NM_001406838.1).
Identifiers: ClinVar variation 629171 (VCV000629171.15), dbSNP rs146190510, ClinGen allele CA038681.